The following is an entry in ClinVar:

ClinVar aggregate classification (germline): Likely benign. Review status: criteria provided, multiple submitters, no conflicts (2 of 4 stars). 3 submissions from 3 submitters: Likely benign (3). Last evaluated 2025-09-01.

Allele frequency attached by ClinVar (database versions not stated): gnomAD 0.00010.
gnomAD v4.1: 19 of 1,613,928 alleles (0.0012%); highest among the groups gnomAD compares: East Asian, 0.0067%; no homozygotes.

Submissions (3):

CeGaT Center for Human Genetics Tuebingen
Classification: Likely benign. Last evaluated: 2025-09-01. Review status: criteria provided, single submitter. Criteria: CeGaT Center For Human Genetics Tuebingen Variant Classification Criteria Version 2. Collection method: clinical testing. Allele origin: germline. Affected: yes. Observed: 1 variant allele.
Comment: SRCAP: BP4, BP7

Labcorp Genetics (formerly Invitae), Labcorp
Classification: Likely benign. Last evaluated: 2025-04-11. Review status: criteria provided, single submitter. Criteria: Invitae Variant Classification Sherloc (09022015). Collection method: clinical testing. Allele origin: germline.

Blueprint Genetics
Classification: Likely benign. Last evaluated: 2024-04-12. Review status: criteria provided, single submitter. Criteria: ACMG Guidelines, 2015. Collection method: clinical testing. Allele origin: germline.

NM_006662.3(SRCAP):c.7572C>T (p.Ser2524=)

Gene: SRCAP (Snf2 related CREBBP activator protein; plus strand). Cytogenetic location: 16p11.2.
Variant type: single nucleotide variant.
Coding change: c.7572C>T on transcript NM_006662.3 (MANE Select); coding-DNA position 7572, C replaced by T.
Protein change: p.Ser2524=; no amino-acid change (serine 2524 retained).
Molecular consequence: synonymous variant.
Genome position (GRCh38, 1-based): chr16:30,737,612, C>T. VCF-style: chr16-30737612-C-T. GRCh37 (hg19) VCF-style: chr16-30748933-C-T.
Identifiers: ClinVar variation 3712311 (VCV003712311.10), dbSNP rs769282513.